The following is an entry in ClinVar:

ClinVar aggregate classification (germline): Uncertain significance. Review status: criteria provided, multiple submitters, no conflicts (2 of 4 stars). 2 submissions from 2 submitters: Uncertain significance (2). Last evaluated 2023-02-28.

Conditions:
Inborn genetic diseases. Identifiers: MedGen C0950123, MeSH D030342.
Charcot-Marie-Tooth disease type 4. Also called: Charcot-Marie-Tooth disease, type IV; Charcot-Marie-Tooth, Type 4. Identifiers: Orphanet 64749, MedGen C4082197, MONDO:0018995.

Allele frequency attached by ClinVar (database versions not stated): gnomAD exomes below 0.00001; gnomAD 0.00001.
gnomAD v4.1: 2 of 1,613,824 alleles (0.00012%); highest among the groups gnomAD compares: African/African-American, 0.0013%; no homozygotes.

Submissions (2):

Ambry Genetics
Classification: Uncertain significance for Inborn genetic diseases. Last evaluated: 2023-02-28. Review status: criteria provided, single submitter. Criteria: Ambry Variant Classification Scheme 2023. Collection method: clinical testing. Allele origin: germline.

Labcorp Genetics (formerly Invitae), Labcorp
Classification: Uncertain significance for Charcot-Marie-Tooth disease type 4. Last evaluated: 2019-05-13. Review status: criteria provided, single submitter. Criteria: Invitae Variant Classification Sherloc (09022015). Collection method: clinical testing. Allele origin: germline.
Comment: In summary, the available evidence is currently insufficient to determine the role of this variant in disease. Therefore, it has been classified as a Variant of Uncertain Significance. Algorithms developed to predict the effect of missense changes on protein structure and function (SIFT, PolyPhen-2, Align-GVGD) all suggest that this variant is likely to be tolerated, but these predictions have not been confirmed by published functional studies and their clinical significance is uncertain. This variant has not been reported in the literature in individuals with SH3TC2-related conditions. This variant is not present in population databases (ExAC no frequency). This sequence change replaces isoleucine with valine at codon 1071 of the SH3TC2 protein (p.Ile1071Val). The isoleucine residue is highly conserved and there is a small physicochemical difference between isoleucine and valine.

NM_024577.4(SH3TC2):c.3211A>G (p.Ile1071Val)

Gene: SH3TC2 (SH3 domain and tetratricopeptide repeats 2; minus strand). Cytogenetic location: 5q32.
Variant type: single nucleotide variant.
Coding change: c.3211A>G on transcript NM_024577.4 (MANE Select); coding-DNA position 3211, A replaced by G.
Protein change: p.Ile1071Val; replaces isoleucine 1071 with valine.
Molecular consequence: missense variant.
Genome position (GRCh38, 1-based): chr5:149,010,386, T>C on the plus strand (A>G on the coding strand, the complement: SH3TC2 is on the minus strand). VCF-style: chr5-149010386-T-C. GRCh37 (hg19) VCF-style: chr5-148389949-T-C.
Other names: short protein forms I1071V.
Identifiers: ClinVar variation 862907 (VCV000862907.11), dbSNP rs1753764548, ClinGen allele CA361665018.